The following is an entry in ClinVar:

NC_000023.10:g.(?_32583799)_(32632590_?)dup

Gene: DMD (dystrophin; minus strand). Cytogenetic location: Xp21.1.
Variant type: Duplication.
Identifiers: ClinVar variation 1415373 (VCV001415373.7).

ClinVar aggregate classification (germline): Pathogenic (1 of 4 stars; one submission).

Conditions:
Duchenne muscular dystrophy (DMD). Also called: MUSCULAR DYSTROPHY, PSEUDOHYPERTROPHIC PROGRESSIVE, DUCHENNE TYPE; Duchenne Muscular Dystrophy (DMD). Identifiers: Orphanet 98896, MedGen C0013264, MONDO:0010679, OMIM 310200.

Submission:

Labcorp Genetics (formerly Invitae), Labcorp
Classification: Pathogenic for Duchenne muscular dystrophy. Last evaluated: 2016-10-09. Review status: criteria provided, single submitter. Criteria: Invitae Variant Classification Sherloc (09022015). Collection method: clinical testing. Allele origin: germline.
Comment: For these reasons, this variant has been classified as Pathogenic. Loss-of-function variants in DMD are known to be pathogenic. A similar duplication of exons 12-16 has been reported in the literature in an individual affected with muscular dystrophy (PMID: 22234189). In addition, similar duplications, specifically of exon 12 (PMID: 12111668, 16917894, 23349452, 18853462), exons 12-13 (PMID: 16917894, 25482253), and exons 12-15 (PMID: 18853462), have been reported in affected individuals. This variant is a gross duplication of the genomic region encompassing exons 12-16 of the DMD gene. While the exact position of the duplicated exons cannot be determined from this data, the duplicated copy of this region is likely in tandem and may result in an absent or disrupted protein product.

Literature cited by the submitters: PubMed 22234189; PubMed 12111668; PubMed 16917894; PubMed 23349452; PubMed 18853462; PubMed 25482253.